The following is an entry in ClinVar:

NM_178857.6(RP1L1):c.1604C>T (p.Ser535Leu)

Gene: RP1L1 (RP1 like 1). Cytogenetic location: 8p23.1.
Variant type: single nucleotide variant.
Coding change: c.1604C>T on transcript NM_178857.6 (MANE Select); coding-DNA position 1604, C replaced by T.
Protein change: p.Ser535Leu; replaces serine 535 with leucine.
Molecular consequence: missense variant.
Genome position (GRCh38, 1-based): chr8:10,612,494, G>A on the plus strand (C>T on the coding strand, the complement: RP1L1 is on the minus strand). VCF-style: chr8-10612494-G-A. GRCh37 (hg19) VCF-style: chr8-10470004-G-A.
Other names: short protein forms S535L.
Identifiers: ClinVar variation 4629348 (VCV004629348.2).

ClinVar aggregate classification (germline): Uncertain significance. Review status: criteria provided, multiple submitters, no conflicts (2 of 4 stars). 2 submissions from 2 submitters: Uncertain significance (2). Last evaluated 2026-03-03.

Conditions:
RP1L1-related disorder. Also called: RP1L1-related condition.
Inborn genetic diseases. Identifiers: MedGen C0950123, MeSH D030342.

Submissions (2):

PreventionGenetics, part of Exact Sciences
Classification: Uncertain significance for RP1L1-related condition. Last evaluated: 2026-03-03. Review status: criteria provided, single submitter. Criteria: ACMG Guidelines, 2015. Collection method: clinical testing. Allele origin: germline.
Comment: The RP1L1 c.1604C>T variant is predicted to result in the amino acid substitution p.Ser535Leu. To our knowledge, this variant has not been reported in the literature. This variant is reported in 0.026% of alleles in individuals of East Asian descent in gnomAD. At this time, the clinical significance of this variant is uncertain due to the absence of conclusive functional and genetic evidence.

Ambry Genetics
Classification: Uncertain significance for Inborn genetic diseases. Last evaluated: 2025-10-23. Review status: criteria provided, single submitter. Criteria: Ambry Variant Classification Scheme 2023. Collection method: clinical testing. Allele origin: germline.